The following is an entry in ClinVar:

ClinVar aggregate classification (germline): Uncertain significance. Review status: criteria provided, multiple submitters, no conflicts (2 of 4 stars). 2 submissions from 2 submitters: Uncertain significance (2). Last evaluated 2025-12-03.

Conditions:
POLD1-related polyposis and colorectal cancer syndrome (CRCS10). Also called: Colorectal cancer 10; COLORECTAL CANCER, SUSCEPTIBILITY TO, ON CHROMOSOME 19q; Colorectal cancer, susceptibility to, 10. Identifiers: Orphanet 220460, MedGen C2675481, MONDO:0012953, OMIM 612591.
Hereditary cancer-predisposing syndrome. Also called: Tumor predisposition; Neoplastic Syndromes, Hereditary; Hereditary Cancer Syndrome; Hereditary neoplastic syndrome. Identifiers: Orphanet 140162, MedGen C0027672, MeSH D009386, MONDO:0015356.

Submissions (2):

Ambry Genetics
Classification: Uncertain significance for Hereditary cancer-predisposing syndrome. Last evaluated: 2025-12-03. Review status: criteria provided, single submitter. Criteria: Ambry Variant Classification Scheme 2023. Collection method: clinical testing. Allele origin: germline.
Comment: The c.936_938delGCT variant (also known as p.L313del) is located in coding exon 7 of the POLD1 gene. This variant results from an in-frame GCT deletion at nucleotide positions 936 to 938. This results in the in-frame deletion of a leucine at codon 313. This amino acid position is well conserved in available vertebrate species. In addition, this variant is predicted to be deleterious by in silico analysis (Choi Y et al. PLoS ONE. 2012; 7(10):e46688). Based on the available evidence, the clinical significance of this variant remains unclear.

Labcorp Genetics (formerly Invitae), Labcorp
Classification: Uncertain significance for POLD1-related polyposis and colorectal cancer syndrome. Last evaluated: 2025-10-13. Review status: criteria provided, single submitter. Criteria: Invitae Variant Classification Sherloc (09022015). Collection method: clinical testing. Allele origin: germline.
Comment: This variant, c.936_938del, results in the deletion of 1 amino acid(s) of the POLD1 protein (p.Leu313del), but otherwise preserves the integrity of the reading frame. This variant is not present in population databases (gnomAD no frequency). This variant has not been reported in the literature in individuals affected with POLD1-related conditions. ClinVar contains an entry for this variant (Variation ID: 2114036). Experimental studies and prediction algorithms are not available or were not evaluated, and the functional significance of this variant is currently unknown. In summary, the available evidence is currently insufficient to determine the role of this variant in disease. Therefore, it has been classified as a Variant of Uncertain Significance.

NM_002691.4(POLD1):c.936_938del (p.Leu313del)

Gene: POLD1 (DNA polymerase delta 1, catalytic subunit; plus strand). Cytogenetic location: 19q13.33.
Variant type: Deletion.
Coding change: c.936_938del on transcript NM_002691.4 (MANE Select); coding-DNA positions 936 to 938, 3 bases deleted (GCT; older notation c.936_938delGCT).
Protein change: p.Leu313del; deletes leucine 313.
Molecular consequence: inframe deletion. On other transcripts: non-coding transcript variant (1).
Genome position (GRCh38, 1-based): chr19:50,402,707-50,402,709, GCT deleted; deleting any 3 consecutive bases within chr19:50,402,706-50,402,709 gives the same sequence; the c. name uses the placement nearest the transcript's 3' end. VCF-style (leftmost placement, unchanged base first): chr19-50402705-GTGC-G. GRCh37 (hg19) VCF-style: chr19-50905962-GTGC-G.
Other names: c.936_938delGCT (NM_002691.2); c.936_938del, p.Leu313del (NM_001256849.1, NM_001308632.1); short protein forms L313del.
Identifiers: ClinVar variation 2114036 (VCV002114036.5), dbSNP rs2038704136, ClinGen allele CA2340883009.
Genomic context (GRCh38, chr19:50,402,705, plus strand): 5'-TGGTCTGACGTGGTCAGTCACCCACCGGAAGGGCCATGGCAGCGCATTGCGCCCTTGCGC[GTGC>G]TCAGCTTCGATATCGAGTGCGCCGGCCGCAAAGGTCTGTCCCCGGGCCCGGGCTCCTGCC-3'